The following is an entry in ClinVar:

ClinVar aggregate classification (germline): Uncertain significance (1 of 4 stars; one submission).

Conditions:
POLD1-related polyposis and colorectal cancer syndrome (CRCS10). Also called: COLORECTAL CANCER, SUSCEPTIBILITY TO, ON CHROMOSOME 19q; Colorectal cancer 10; Colorectal cancer, susceptibility to, 10. Identifiers: Orphanet 220460, MedGen C2675481, MONDO:0012953, OMIM 612591.

Submission:

Labcorp Genetics (formerly Invitae), Labcorp
Classification: Uncertain significance for POLD1-related polyposis and colorectal cancer syndrome. Last evaluated: 2025-08-20. Review status: criteria provided, single submitter. Criteria: Invitae Variant Classification Sherloc (09022015). Collection method: clinical testing. Allele origin: germline.
Comment: This sequence change falls in intron 11 of the POLD1 gene. It does not directly change the encoded amino acid sequence of the POLD1 protein. It affects a nucleotide within the consensus splice site. This variant is not present in population databases (gnomAD no frequency). This variant has not been reported in the literature in individuals affected with POLD1-related conditions. Variants that disrupt the consensus splice site are a relatively common cause of aberrant splicing (PMID: 17576681, 9536098). Algorithms developed to predict the effect of sequence changes on RNA splicing suggest that this variant is not likely to affect RNA splicing. In summary, the available evidence is currently insufficient to determine the role of this variant in disease. Therefore, it has been classified as a Variant of Uncertain Significance.

Literature cited by the submitters: PubMed 17576681; PubMed 9536098.

NM_002691.4(POLD1):c.1383+3A>G

Gene: POLD1 (DNA polymerase delta 1, catalytic subunit; plus strand). Cytogenetic location: 19q13.33.
Variant type: single nucleotide variant.
Coding change: c.1383+3A>G on transcript NM_002691.4 (MANE Select); 3 bases into the intron after coding-DNA position 1383, A replaced by G.
Molecular consequence: intron variant.
Genome position (GRCh38, 1-based): chr19:50,406,325, A>G. VCF-style: chr19-50406325-A-G. GRCh37 (hg19) VCF-style: chr19-50909582-A-G.
Other names: c.1383+3A>G (NM_001256849.1, NM_001438212.1, NM_001438213.1 and 3 more transcripts).
Identifiers: ClinVar variation 4808005 (VCV004808005.1).